The following is an entry in ClinVar:

ClinVar aggregate classification (germline): Pathogenic (1 of 4 stars; one submission).

Conditions:
Lynch syndrome 5 (LYNCH5). Also called: Colorectal cancer, hereditary nonpolyposis, type 5; Hereditary non-polyposis colorectal cancer, type 5. Identifiers: Orphanet 144, MedGen C1833477, MONDO:0013710, OMIM 614350. Disease mechanism: loss of function.

Submission:

Myriad Genetics, Inc.
Classification: Pathogenic for Lynch syndrome 5. Last evaluated: 2023-08-22. Review status: criteria provided, single submitter. Criteria: Myriad Autosomal Dominant, Autosomal Recessive and X-Linked Classification Criteria (2023). Collection method: clinical testing. Allele origin: unknown.
Comment: This variant is considered pathogenic. This variant creates a frameshift predicted to result in premature protein truncation.

NM_000179.3(MSH6):c.3255_3256delinsA (p.Phe1088fs)

Gene: MSH6 (mutS homolog 6; plus strand). Cytogenetic location: 2p16.3.
Variant type: Indel.
Coding change: c.3255_3256delinsA on transcript NM_000179.3 (MANE Select); coding-DNA positions 3255 to 3256, CC replaced by A.
Protein change: p.Phe1088fs; shifts the reading frame from phenylalanine 1088.
Molecular consequence: frameshift variant. On other transcripts: non-coding transcript variant (5), intron variant (1).
Genome position (GRCh38, 1-based): chr2:47,803,502-47,803,503, CC replaced by A. VCF-style: chr2-47803502-CC-A. GRCh37 (hg19) VCF-style: chr2-48030641-CC-A.
Other names: c.2865_2866delinsA, p.Phe958fs (NM_001281492.2); c.2349_2350delinsA, p.Phe786fs (NM_001281493.2, NM_001281494.2, NM_001406811.1 and 6 more transcripts); c.3351_3352delinsA, p.Phe1120fs (NM_001406795.1, NM_001406802.1); c.3255_3256delinsA, p.Phe1088fs (NM_001406796.1, NM_001406800.1, NM_001406808.1 and 1 more transcripts); c.2958_2959delinsA, p.Phe989fs (NM_001406797.1, NM_001406801.1, NM_001406805.1 and 10 more transcripts); c.2730_2731delinsA, p.Phe913fs (NM_001406799.1, NM_001406806.1, NM_001406807.1); c.2391_2392delinsA, p.Phe800fs (NM_001406803.1); c.3177_3178delinsA, p.Phe1062fs (NM_001406804.1); and 7 more; short protein forms F1032fs, F1062fs, F1088fs, F1090fs, F1120fs, F15fs, F37fs, F403fs.
Identifiers: ClinVar variation 2673625 (VCV002673625.1), dbSNP rs2530763417, ClinGen allele CA2695200520.